The following is an entry in ClinVar:

NM_001363711.2(DUOX2):c.2869_2870insTTTTTTTTTTTTTTTTTTTTNNNNNNNNNNCTGACCTCATGATCCACCCGCCTCGGCCTCCCAAAGTGCTGGGATTACAGGCGTGAGCCACCGCGCCCGGCCAGAGATATCTTTA (p.Lys957delinsIlePhePhePhePhePhePheXaaXaaXaaXaaAspLeuMetIleHisProProArgProProLysValLeuGlyLeuGlnAlaTer)

Gene: DUOX2 (dual oxidase 2; minus strand). Cytogenetic location: 15q21.1.
Variant type: Insertion.
Coding change: c.2869_2870insTTTTTTTTTTTTTTTTTTTTNNNNNNNNNNCTGACCTCATGATCCACCCGCCTCGGCCTCCCAAAGTGCTGGGATTACAGGCGTGAGCCACCGCGCCCGGCCAGAGATATCTTTA on transcript NM_001363711.2 (MANE Select); coding-DNA positions 2869 to 2870, TTTTTTTTTTTTTTTTTTTTNNNNNNNNNNCTGACCTCATGATCCACCCGCCTCGGCCTCCCAAAGTGCTGGGATTACAGGCGTGAGCCACCGCGCCCGGCCAGAGATATCTTTA inserted.
Protein change: p.Lys957delinsIlePhePhePhePhePhePheXaaXaaXaaXaaAspLeuMetIleHisProProArgProProLysValLeuGlyLeuGlnAlaTer.
Molecular consequence: nonsense.
Genome position: GRCh38: chr15:45,101,269-45,101,270. GRCh37 (hg19): chr15:45,393,467-45,393,468.
Other names: c.2869_2870insTTTTTTTTTTTTTTTTTTTTNNNNNNNNNNCTGACCTCATGATCCACCCGCCTCGGCCTCCCAAAGTGCTGGGATTACAGGCGTGAGCCACCGCGCCCGGCCAGAGATATCTTTA, p.Lys957delinsIlePhePhePhePhePhePheXaaXaaXaaXaaAspLeuMetIleHisProProArgProProLysValLeuGlyLeuGlnAlaTer (NM_014080.5).
Identifiers: ClinVar variation 2081463 (VCV002081463.4), dbSNP rs2504755054.

ClinVar aggregate classification (germline): Pathogenic (1 of 4 stars; one submission).

Submission:

Labcorp Genetics (formerly Invitae), Labcorp
Classification: Pathogenic. Last evaluated: 2025-11-23. Review status: criteria provided, single submitter. Criteria: Invitae Variant Classification Sherloc (09022015). Collection method: clinical testing. Allele origin: germline.
Comment: This sequence change inserts a large fragment of DNA, likely a transposable element, in exon 22 of the DUOX2 gene (c.2869_2870ins?), causing a frameshift at codon 957 (p.Lys957fs). The exact size and sequence of the insertion cannot be determined by the current assay. However, the insertion is expected to result in an absent or disrupted protein product. This variant is not present in population databases (gnomAD no frequency). This variant has not been reported in the literature in individuals affected with DUOX2-related conditions. Retrotransposon insertions including LINE1 (L1), Alu, and SVA (SINE-VNTR-Alu) have been reported to be disease-causing through disruption of either a coding region or splice site (PMID: 19763152, 20307669, 22406018) and loss-of-function variants in DUOX2 are known to be pathogenic (PMID: 12110737, 18765513, 21565790, 24423310, 24735383). For these reasons, this variant has been classified as Pathogenic.

Literature cited by the submitters: PubMed 19763152; PubMed 20307669; PubMed 22406018; PubMed 12110737; PubMed 18765513; PubMed 21565790; PubMed 24423310; PubMed 24735383.